The following is an entry in ClinVar:

NM_001372076.1(PAX9):c.683T>C (p.Leu228Pro)

Gene: PAX9 (paired box 9; plus strand). Cytogenetic location: 14q13.3.
Variant type: single nucleotide variant.
Coding change: c.683T>C on transcript NM_001372076.1 (MANE Select); coding-DNA position 683, T replaced by C.
Protein change: p.Leu228Pro; replaces leucine 228 with proline.
Molecular consequence: missense variant.
Genome position (GRCh38, 1-based): chr14:36,666,513, T>C. VCF-style: chr14-36666513-T-C. GRCh37 (hg19) VCF-style: chr14-37135718-T-C.
Other names: c.683T>C, p.Leu228Pro (NM_006194.4); short protein forms L228P.
Identifiers: ClinVar variation 660509 (VCV000660509.8), dbSNP rs780494094, ClinGen allele CA7159060.
Genomic context (GRCh38, chr14:36,666,513, plus strand): 5'-CTCCATCAGTGAGCGACAGCTCCCCCTACCACAGCCCCAAGGTGGAGGAGTGGAGCAGCC[T>C]GGGCCGCAACAACTTCCCCGCCGCCGCCCCGCACGCGGTGAACGGGTTGGAGAAGGGAGC-3'
Protein context (NP_001359005.1, residues 218-238): HSPKVEEWSS[Leu228Pro]GRNNFPAAAP

ClinVar aggregate classification (germline): Uncertain significance (1 of 4 stars; one submission).

Conditions:
Hypodontia. Also called: Partial congenital absence of teeth; TOOTH AGENESIS, FAMILIAL; Tooth agenesis, selective. Identifiers: Orphanet 99798, MedGen C0020608, MONDO:0005486, HP:0000668. Disease mechanism: loss of function.

Allele frequency attached by ClinVar (database versions not stated): gnomAD exomes 0.00001 and 0.00004; gnomAD 0.00002 and 0.00003; TOPMed 0.00002; ExAC 0.00009.
gnomAD v4.1: 10 of 1,606,212 alleles (0.00062%); highest among the groups gnomAD compares: East Asian, 0.018%; no homozygotes.

Submission:

Labcorp Genetics (formerly Invitae), Labcorp
Classification: Uncertain significance for Hypodontia. Last evaluated: 2024-02-24. Review status: criteria provided, single submitter. Criteria: Invitae Variant Classification Sherloc (09022015). Collection method: clinical testing. Allele origin: germline.
Comment: This sequence change replaces leucine, which is neutral and non-polar, with proline, which is neutral and non-polar, at codon 228 of the PAX9 protein (p.Leu228Pro). This variant is present in population databases (rs780494094, gnomAD 0.06%). This variant has not been reported in the literature in individuals affected with PAX9-related conditions. ClinVar contains an entry for this variant (Variation ID: 660509). Advanced modeling of protein sequence and biophysical properties (such as structural, functional, and spatial information, amino acid conservation, physicochemical variation, residue mobility, and thermodynamic stability) performed at Invitae indicates that this missense variant is not expected to disrupt PAX9 protein function with a negative predictive value of 80%. In summary, the available evidence is currently insufficient to determine the role of this variant in disease. Therefore, it has been classified as a Variant of Uncertain Significance.